The following is an entry in ClinVar:

ClinVar aggregate classification (germline): Conflicting classifications of pathogenicity. Review status: criteria provided, conflicting classifications (1 of 4 stars). 2 submissions from 2 submitters: Uncertain significance (1); Likely benign (1). Last evaluated 2025-05-12.

Conditions:
Hereditary cancer-predisposing syndrome. Also called: Hereditary Cancer Syndrome; Hereditary neoplastic syndrome; Neoplastic Syndromes, Hereditary; Tumor predisposition. Identifiers: Orphanet 140162, MedGen C0027672, MeSH D009386, MONDO:0015356.

Allele frequency attached by ClinVar (database versions not stated): gnomAD exomes below 0.00001; ExAC 0.00001.
gnomAD v4.1: 1 of 1,614,196 alleles (0.000062%); highest among the groups gnomAD compares: East Asian, 0.0022%; no homozygotes.

Submissions (2):

Labcorp Genetics (formerly Invitae), Labcorp
Classification: Uncertain significance. Last evaluated: 2025-05-12. Review status: criteria provided, single submitter. Criteria: Invitae Variant Classification Sherloc (09022015). Collection method: clinical testing. Allele origin: germline.
Comment: This sequence change replaces aspartic acid, which is acidic and polar, with asparagine, which is neutral and polar, at codon 500 of the CTNNA1 protein (p.Asp500Asn). This variant is present in population databases (rs747842444, gnomAD 0.01%). This variant has not been reported in the literature in individuals affected with CTNNA1-related conditions. ClinVar contains an entry for this variant (Variation ID: 1773926). Invitae Evidence Modeling of protein sequence and biophysical properties (such as structural, functional, and spatial information, amino acid conservation, physicochemical variation, residue mobility, and thermodynamic stability) indicates that this missense variant is not expected to disrupt CTNNA1 protein function with a negative predictive value of 80%. In summary, the available evidence is currently insufficient to determine the role of this variant in disease. Therefore, it has been classified as a Variant of Uncertain Significance.

Ambry Genetics
Classification: Likely benign for Hereditary cancer-predisposing syndrome. Last evaluated: 2022-09-26. Review status: criteria provided, single submitter. Criteria: Ambry Variant Classification Scheme 2023. Collection method: clinical testing. Allele origin: germline.

NM_001903.5(CTNNA1):c.1498G>A (p.Asp500Asn)

Gene: CTNNA1 (catenin alpha 1; plus strand). Cytogenetic location: 5q31.2.
Variant type: single nucleotide variant.
Coding change: c.1498G>A on transcript NM_001903.5 (MANE Select); coding-DNA position 1498, G replaced by A.
Protein change: p.Asp500Asn; replaces aspartic acid 500 with asparagine.
Molecular consequence: missense variant.
Genome position (GRCh38, 1-based): chr5:138,917,850, G>A. VCF-style: chr5-138917850-G-A. GRCh37 (hg19) VCF-style: chr5-138253539-G-A.
Other names: c.1498G>A, p.Asp500Asn (NM_001290307.3, NM_001323982.2, NM_001323983.1 and 2 more transcripts); c.1189G>A, p.Asp397Asn (NM_001290309.3); c.1129G>A, p.Asp377Asn (NM_001290310.3); c.388G>A, p.Asp130Asn (NM_001290312.1, NM_001323987.1, NM_001323988.1 and 17 more transcripts); c.1405G>A, p.Asp469Asn (NM_001323986.2); c.49G>A, p.Asp17Asn (NM_001324006.1, NM_001324007.1, NM_001324008.1 and 2 more transcripts); c.295G>A, p.Asp99Asn (NM_001324011.1); c.145G>A, p.Asp49Asn (NM_001324012.1, NM_001324013.1); short protein forms D377N, D49N, D130N, D17N, D397N, D500N, D99N, D469N.
Identifiers: ClinVar variation 1773926 (VCV001773926.7), dbSNP rs747842444, ClinGen allele CA3431962.